The following is an entry in ClinVar:

NM_000525.4(KCNJ11):c.292G>A (p.Gly98Ser)

Gene: KCNJ11 (potassium inwardly rectifying channel subfamily J member 11; minus strand). Cytogenetic location: 11p15.1.
Variant type: single nucleotide variant.
Coding change: c.292G>A on transcript NM_000525.4 (MANE Select); coding-DNA position 292, G replaced by A.
Protein change: p.Gly98Ser; replaces glycine 98 with serine.
Molecular consequence: missense variant.
Genome position (GRCh38, 1-based): chr11:17,387,800, C>T on the plus strand (G>A on the coding strand, the complement: KCNJ11 is on the minus strand). VCF-style: chr11-17387800-C-T. GRCh37 (hg19) VCF-style: chr11-17409347-C-T.
Other names: c.31G>A, p.Gly11Ser (NM_001166290.2, NM_001377296.1, NM_001377297.1); short protein forms G98S, G11S.
Identifiers: ClinVar variation 551926 (VCV000551926.4), dbSNP rs1554901851, ClinGen allele CA379774702.

ClinVar aggregate classification (germline): Uncertain significance. Review status: criteria provided, multiple submitters, no conflicts (2 of 4 stars). 3 submissions from 3 submitters: Uncertain significance (2). 1 of the submissions does not count toward it. Last evaluated 2022-05-21.

Conditions:
Maturity-onset diabetes of the young (MODY). Also called: Maturity onset diabetes mellitus in young. Identifiers: Orphanet 552, MedGen C0342276, MONDO:0018911, HP:0004904.
Diabetes mellitus, transient neonatal, 3 (TNDM3). Identifiers: Orphanet 99886, MedGen C1864623, MONDO:0012522, OMIM 610582. Disease mechanism: loss of function.
Hyperinsulinemic hypoglycemia, familial, 2. Also called: HYPERINSULINEMIC HYPOGLYCEMIA, PERSISTENT; HYPERINSULINISM, NEONATAL. Identifiers: Orphanet 276580, Orphanet 276603, MedGen C2931833, MONDO:0011153, OMIM 601820. Disease mechanism: loss of function.
Permanent neonatal diabetes mellitus 1. Also called: GCK-Related Permanent Neonatal Diabetes Mellitus. Identifiers: MedGen C5393570, MONDO:0100165, OMIM 606176.
Diabetes mellitus, permanent neonatal 2. Also called: KCNJ11-Related Permanent Neonatal Diabetes Mellitus. Identifiers: MedGen C5394296, MONDO:0030087, OMIM 618856.
Maturity-onset diabetes of the young type 13. Also called: MODY, TYPE 13. Identifiers: Orphanet 552, MedGen C4225365, MONDO:0014589, OMIM 616329.
Type 2 diabetes mellitus. Also called: Type II diabetes mellitus. Identifiers: MedGen C0011860, MeSH D003924, MONDO:0005148, OMIM 125853, HP:0005978.

Allele frequency attached by ClinVar (database versions not stated): gnomAD exomes 0.00001; gnomAD 0.00002 and 0.00003; TOPMed 0.00002.

Submissions (3):

Fulgent Genetics
Classification: Uncertain significance for Type 2 diabetes mellitus; Hyperinsulinemic hypoglycemia, familial, 2; Diabetes mellitus, transient neonatal, 3; Maturity-onset diabetes of the young type 13; Diabetes mellitus, permanent neonatal 2. Last evaluated: 2022-05-21. Review status: criteria provided, single submitter. Criteria: ACMG Guidelines, 2015. Collection method: clinical testing. Allele origin: unknown.

Clinical Genomics, Uppaluri K&H Personalized Medicine Clinic
Classification: Uncertain significance for Maturity-onset diabetes of the young. Review status: criteria provided, single submitter. Criteria: K&H Uppaluri Personalized Medicine Clinic Variant Classification & Assertion Criteria. Collection method: research. Allele origin: somatic. Inheritance: Autosomal dominant inheritance.
Comment: Mutations in KCNJ11 gene can cause decreased production and secretion of insulin. This can lead to MODY which may be responsive to oral sulfonylureas. It is also associated with Neonatal Diabetes. However, no sufficient evidence is found to ascertain the role of rs1554901851 variant in MODY yet.

Counsyl
Classification: Uncertain significance for Hyperinsulinemic hypoglycemia, familial, 2; Permanent neonatal diabetes mellitus 1; Diabetes mellitus, transient neonatal, 3. Last evaluated: 2017-05-17. Review status: no assertion criteria provided. Collection method: clinical testing. Allele origin: unknown. Not counted in ClinVar's aggregate classification.

Literature cited by the submitters: PubMed 26448950 (cited by Clinical Genomics, Uppaluri K&H Personalized Medicine Clinic); PubMed 15580558 (cited by Clinical Genomics, Uppaluri K&H Personalized Medicine Clinic); PubMed 15718250 (cited by Clinical Genomics, Uppaluri K&H Personalized Medicine Clinic); PubMed 32935446 (cited by Clinical Genomics, Uppaluri K&H Personalized Medicine Clinic); PubMed 22701567 (cited by Clinical Genomics, Uppaluri K&H Personalized Medicine Clinic); PubMed 23275527 (cited by Counsyl).